The following is an entry in ClinVar:

NM_001369.3(DNAH5):c.1648G>A (p.Glu550Lys)

Gene: DNAH5 (dynein axonemal heavy chain 5; minus strand). Cytogenetic location: 5p15.2.
Variant type: single nucleotide variant.
Coding change: c.1648G>A on transcript NM_001369.3 (MANE Select); coding-DNA position 1648, G replaced by A.
Protein change: p.Glu550Lys; replaces glutamic acid 550 with lysine.
Molecular consequence: missense variant.
Genome position (GRCh38, 1-based): chr5:13,902,135, C>T on the plus strand (G>A on the coding strand, the complement: DNAH5 is on the minus strand). VCF-style: chr5-13902135-C-T. GRCh37 (hg19) VCF-style: chr5-13902244-C-T.
Other names: short protein forms E550K.
Identifiers: ClinVar variation 862407 (VCV000862407.12), dbSNP rs145962029, ClinGen allele CA3204771.

ClinVar aggregate classification (germline): Conflicting classifications of pathogenicity. Review status: criteria provided, conflicting classifications (1 of 4 stars). 4 submissions from 4 submitters: Uncertain significance (2); Likely benign (1). 1 of the submissions does not count toward it. Last evaluated 2025-02-17.

Conditions:
Primary ciliary dyskinesia. Also called: Ciliary dyskinesia. Identifiers: Orphanet 244, MedGen C0008780, MONDO:0016575, HP:0012265.

Allele frequency attached by ClinVar (database versions not stated): TOPMed 0.00006; gnomAD exomes 0.00012 and 0.00025; gnomAD 0.00014; ESP Exome Variant Server 0.00015; 1000 Genomes Project 30x 0.00031; ExAC 0.00033; 1000 Genomes Project 0.00040.
gnomAD v4.1: 204 of 1,600,594 alleles (0.013%); highest among the groups gnomAD compares: Non-Finnish European, 0.0058%; no homozygotes.

Submissions (4):

Labcorp Genetics (formerly Invitae), Labcorp
Classification: Likely benign for Primary ciliary dyskinesia. Last evaluated: 2025-02-17. Review status: criteria provided, single submitter. Criteria: Invitae Variant Classification Sherloc (09022015). Collection method: clinical testing. Allele origin: germline.

GeneDx
Classification: Uncertain significance. Last evaluated: 2024-12-31. Review status: criteria provided, single submitter. Criteria: GeneDx Variant Classification Process June 2021. Collection method: clinical testing. Allele origin: germline. Affected: yes.
Comment: Has not been previously published as a pathogenic or benign germline variant to our knowledge; In silico analysis indicates that this missense variant does not alter protein structure/function; This variant is associated with the following publications: (PMID: 29599409)

Blueprint Genetics
Classification: Uncertain significance. Last evaluated: 2024-09-10. Review status: criteria provided, single submitter. Criteria: ACMG Guidelines, 2015. Collection method: clinical testing. Allele origin: germline.

Natera, Inc.
Classification: Uncertain significance for Primary ciliary dyskinesia. Last evaluated: 2020-09-03. Review status: no assertion criteria provided. Collection method: clinical testing. Allele origin: germline. Not counted in ClinVar's aggregate classification.